The following is an entry in ClinVar:

NM_001204.7(BMPR2):c.581C>G (p.Ser194Cys)

Gene: BMPR2 (bone morphogenetic protein receptor type 2; plus strand). Cytogenetic location: 2q33.2.
Variant type: single nucleotide variant.
Coding change: c.581C>G on transcript NM_001204.7 (MANE Select); coding-DNA position 581, C replaced by G.
Protein change: p.Ser194Cys; replaces serine 194 with cysteine.
Molecular consequence: missense variant.
Genome position (GRCh38, 1-based): chr2:202,514,939, C>G. VCF-style: chr2-202514939-C-G. GRCh37 (hg19) VCF-style: chr2-203379662-C-G.
Other names: short protein forms S194C.
Identifiers: ClinVar variation 4597617 (VCV004597617.1).

ClinVar aggregate classification (germline): Uncertain significance (1 of 4 stars; one submission).

Conditions:
Inborn genetic diseases. Identifiers: MedGen C0950123, MeSH D030342.

gnomAD v4.1: 2 of 1,614,118 alleles (0.00012%); highest among the groups gnomAD compares: Middle Eastern, 0.016%; no homozygotes.

Submission:

Ambry Genetics
Classification: Uncertain significance for Inborn genetic diseases. Last evaluated: 2025-11-03. Review status: criteria provided, single submitter. Criteria: Ambry Variant Classification Scheme 2023. Collection method: clinical testing. Allele origin: germline.
Comment: The p.S194C variant (also known as c.581C>G), located in coding exon 5 of the BMPR2 gene, results from a C to G substitution at nucleotide position 581. The serine at codon 194 is replaced by cysteine, an amino acid with dissimilar properties. This amino acid position is conserved. In addition, the in silico prediction for this alteration is inconclusive. Based on the available evidence, the clinical significance of this variant remains unclear.